The following is an entry in ClinVar:

NM_003640.5(ELP1):c.1731_1735del (p.Gln577fs)

Gene: ELP1 (elongator acetyltransferase complex subunit 1; minus strand). Cytogenetic location: 9q31.3.
Variant type: Deletion.
Coding change: c.1731_1735del on transcript NM_003640.5 (MANE Select); coding-DNA positions 1731 to 1735, 5 bases deleted (GATAT; older notation c.1731_1735delGATAT).
Protein change: p.Gln577fs; shifts the reading frame from glutamine 577.
Molecular consequence: frameshift variant.
Genome position (GRCh38, 1-based): chr9:108,903,578-108,903,582, ATATC deleted on the plus strand (GATAT on the coding strand, the reverse complement: ELP1 is on the minus strand). VCF-style (leftmost placement, unchanged base first): chr9-108903577-AATATC-A. GRCh37 (hg19) VCF-style: chr9-111665857-AATATC-A.
Other names: c.1731_1735delGATAT (NM_003640.4); c.1389_1393del, p.Gln463fs (NM_001318360.2); c.684_688del, p.Gln228fs (NM_001330749.2); short protein forms Q577fs, Q463fs, Q228fs.
Identifiers: ClinVar variation 2764279 (VCV002764279.5), dbSNP rs2537907400, ClinGen allele CA2691096504.

ClinVar aggregate classification (germline): Pathogenic/Likely pathogenic. Review status: criteria provided, multiple submitters, no conflicts (2 of 4 stars). 3 submissions from 3 submitters: Pathogenic (2); Likely pathogenic (1). Last evaluated 2026-01-29.

Conditions:
Familial dysautonomia. Also called: HSAN III; FD. Identifiers: Orphanet 1764, MedGen C0013364, MONDO:0009131, OMIM 223900. Disease mechanism: loss of function.

Allele frequency attached by ClinVar (database versions not stated): gnomAD exomes 0.00001.

Submissions (3):

Natera, Inc.
Classification: Likely pathogenic for Familial dysautonomia. Last evaluated: 2026-01-29. Review status: criteria provided, single submitter. Criteria: Natera Variant Classification Schema (03/2026). Collection method: clinical testing. Allele origin: germline.
Comment: The c.1731_1735delGATAT variant in ELP1 is a frameshift variant predicted to shift the reading frame beginning at codon 577 and leads to a stop codon 2 codons downstream. This variant is expected to result in nonsense mediated decay, truncation, or a dysfunctional protein product. This variant is rare in the general population with a frequency below the threshold expected for the associated phenotype(s). Given the available evidence, this variant is classified as Likely Pathogenic.

Myriad Genetics, Inc.
Classification: Pathogenic for Familial dysautonomia. Last evaluated: 2024-05-04. Review status: criteria provided, single submitter. Criteria: Myriad Autosomal Dominant, Autosomal Recessive and X-Linked Classification Criteria (2023). Collection method: clinical testing. Allele origin: unknown.
Comment: NM_003640.3(ELP1):c.1731_1735del5(Q577Hfs*2) is expected to be pathogenic in the context of familial dysautonomia. This variant is predicted to lead to an abnormal or absent protein product due to the creation of a premature termination codon in ELP1, a gene where loss-of-function variants are known to be pathogenic. Please note: this variant was assessed in the context of healthy population screening.

Labcorp Genetics (formerly Invitae), Labcorp
Classification: Pathogenic. Last evaluated: 2023-09-29. Review status: criteria provided, single submitter. Criteria: Invitae Variant Classification Sherloc (09022015). Collection method: clinical testing. Allele origin: germline.
Comment: For these reasons, this variant has been classified as Pathogenic. This variant has not been reported in the literature in individuals affected with ELP1-related conditions. This variant is not present in population databases (gnomAD no frequency). This sequence change creates a premature translational stop signal (p.Gln577Hisfs*2) in the ELP1 gene. It is expected to result in an absent or disrupted protein product. Loss-of-function variants in ELP1 are known to be pathogenic (PMID: 18303054, 24173031).

Literature cited by the submitters: PubMed 18303054 (cited by Labcorp Genetics (formerly Invitae), Labcorp); PubMed 24173031 (cited by Labcorp Genetics (formerly Invitae), Labcorp).